The following is an entry in ClinVar:

NM_006019.4(TCIRG1):c.2150C>A (p.Ala717Asp)

Gene: TCIRG1 (T cell immune regulator 1, ATPase H+ transporting V0 subunit a3; plus strand). Cytogenetic location: 11q13.2.
Variant type: single nucleotide variant.
Coding change: c.2150C>A on transcript NM_006019.4 (MANE Select); coding-DNA position 2150, C replaced by A.
Protein change: p.Ala717Asp; replaces alanine 717 with aspartic acid.
Molecular consequence: missense variant.
Genome position (GRCh38, 1-based): chr11:68,050,168, C>A. VCF-style: chr11-68050168-C-A. GRCh37 (hg19) VCF-style: chr11-67817635-C-A.
Other names: c.1256C>A, p.Ala419Asp (NM_001351059.2); c.1502C>A, p.Ala501Asp (NM_006053.4); short protein forms A419D, A501D, A717D.
Identifiers: ClinVar variation 1402402 (VCV001402402.5), dbSNP rs141095902, ClinGen allele CA6147419.

ClinVar aggregate classification (germline): Uncertain significance (1 of 4 stars; one submission).

Allele frequency attached by ClinVar (database versions not stated): gnomAD 0.00004; ESP Exome Variant Server 0.00008; 1000 Genomes Project 30x 0.00016; 1000 Genomes Project 0.00020.
gnomAD v4.1: 114 of 1,613,584 alleles (0.0071%); highest among the groups gnomAD compares: Non-Finnish European, 0.009%; no homozygotes.

Submission:

Labcorp Genetics (formerly Invitae), Labcorp
Classification: Uncertain significance. Last evaluated: 2026-01-02. Review status: criteria provided, single submitter. Criteria: Invitae Variant Classification Sherloc (09022015). Collection method: clinical testing. Allele origin: germline.
Comment: This sequence change replaces alanine, which is neutral and non-polar, with aspartic acid, which is acidic and polar, at codon 717 of the TCIRG1 protein (p.Ala717Asp). This variant is present in population databases (rs141095902, gnomAD 0.009%). This variant has not been reported in the literature in individuals affected with TCIRG1-related conditions. ClinVar contains an entry for this variant (Variation ID: 1402402). Invitae Evidence Modeling of protein sequence and biophysical properties (such as structural, functional, and spatial information, amino acid conservation, physicochemical variation, residue mobility, and thermodynamic stability) indicates that this missense variant is expected to disrupt TCIRG1 protein function with a positive predictive value of 80%. In summary, the available evidence is currently insufficient to determine the role of this variant in disease. Therefore, it has been classified as a Variant of Uncertain Significance.